The following is an entry in ClinVar:

ClinVar aggregate classification (germline): Likely benign (1 of 4 stars; one submission).

Conditions:
Growth delay due to insulin-like growth factor I resistance. Also called: Somatomedin end-organ insensitivity to; Somatomedin-c resistance to; IGF-1 resistance; IGF-I RESISTANCE; Insulin-Like Growth Factor I Resistance. Identifiers: Orphanet 73273, MedGen C1849157, MONDO:0010038, OMIM 270450.

Allele frequency attached by ClinVar (database versions not stated): TOPMed 0.00326; 1000 Genomes Project 0.00379; 1000 Genomes Project 30x 0.00484.
gnomAD v4.1: 478 of 234,104 alleles (0.2%); highest among the groups gnomAD compares: African/African-American, 0.98%; 2 homozygotes.

Submission:

Illumina Laboratory Services, Illumina
Classification: Likely benign for Growth delay due to insulin-like growth factor I resistance. Last evaluated: 2018-01-13. Review status: criteria provided, single submitter. Criteria: ICSL Variant Classification Criteria 13 December 2019. Collection method: clinical testing. Allele origin: germline.
Comment: This variant was observed in the ICSL laboratory as part of a predisposition screen in an ostensibly healthy population. It had not been previously curated by ICSL or reported in the Human Gene Mutation Database (HGMD: prior to June 1st, 2018), and was therefore a candidate for classification through an automated scoring system. Utilizing variant allele frequency, disease prevalence and penetrance estimates, and inheritance mode, an automated score was calculated to assess if this variant is too frequent to cause the disease. Based on the score and internal cut-off values, a variant classified as likely benign is not then subjected to further curation. The score for this variant resulted in a classification of likely benign for this disease.

NM_000875.5(IGF1R):c.*3471C>T

Gene: IGF1R (insulin like growth factor 1 receptor; plus strand). Cytogenetic location: 15q26.3.
Variant type: single nucleotide variant.
Coding change: c.*3471C>T on transcript NM_000875.5 (MANE Select); 3471 bases downstream of the stop codon, C replaced by T.
Molecular consequence: 3 prime UTR variant.
Genome position (GRCh38, 1-based): chr15:98,960,913, C>T. VCF-style: chr15-98960913-C-T. GRCh37 (hg19) VCF-style: chr15-99504142-C-T.
Other names: c.*3471C>T (NM_001291858.2).
Identifiers: ClinVar variation 888287 (VCV000888287.4), dbSNP rs115488157, ClinGen allele CA275337663.
Genomic context (GRCh38, chr15:98,960,913, plus strand): 5'-AAACCTTCCGGCTGGAAAGCCCAGTGGCCGGCGCCGAGGCTCGTGGCGTCACGCCCCCCC[C>T]GCCAGGGCTGTACCTCCGTCTCCCTGGTCCTGCTGCTCACAGGACAGACGGCTCGCTCCC-3'